The following is an entry in ClinVar:

NM_001009944.3(PKD1):c.9582C>T (p.Ala3194=)

Gene: PKD1 (polycystin 1, transient receptor potential channel interacting; minus strand). Cytogenetic location: 16p13.3.
Variant type: single nucleotide variant.
Coding change: c.9582C>T on transcript NM_001009944.3 (MANE Select); coding-DNA position 9582, C replaced by T.
Protein change: p.Ala3194=; no amino-acid change (alanine 3194 retained).
Molecular consequence: synonymous variant.
Genome position (GRCh38, 1-based): chr16:2,100,296, G>A on the plus strand (C>T on the coding strand, the complement: PKD1 is on the minus strand). VCF-style: chr16-2100296-G-A. GRCh37 (hg19) VCF-style: chr16-2150297-G-A.
Other names: c.9582C>T, p.Ala3194= (NM_000296.4).
Identifiers: ClinVar variation 618302 (VCV000618302.8), dbSNP rs1399957695, ClinGen allele CA493045770.

ClinVar aggregate classification (germline): Likely benign (1 of 4 stars; one submission).

Allele frequency attached by ClinVar (database versions not stated): gnomAD exomes below 0.00001.
gnomAD v4.1: 5 of 1,610,784 alleles (0.00031%); highest among the groups gnomAD compares: Non-Finnish European, 0.00042%; no homozygotes.

Submission:

ARUP Laboratories, Molecular Genetics and Genomics, ARUP Laboratories
Classification: Likely benign. Last evaluated: 2018-02-22. Review status: criteria provided, single submitter. Criteria: ARUP Molecular Germline Variant Investigation Process. Collection method: clinical testing. Allele origin: germline.
Comment: The PKD1 c.9582C>T; p.Ala3194Ala variant, to our knowledge, is not reported in the medical literature or in gene-specific databases. This variant is also absent from the general population databases (1000 Genomes Project, Exome Variant Server, and Genome Aggregation Database), indicating it is not a common polymorphism. This variant is a synonymous substitution and computational algorithms (Alamut v.2.10) predict that the variant has no impact on splicing. Based on the above information, this variant is considered likely benign.